The following is an entry in ClinVar:

NM_000051.4(ATM):c.4279G>A (p.Ala1427Thr)

Gene: ATM (ATM serine/threonine kinase; plus strand). Cytogenetic location: 11q22.3.
Variant type: single nucleotide variant.
Coding change: c.4279G>A on transcript NM_000051.4 (MANE Select); coding-DNA position 4279, G replaced by A.
Protein change: p.Ala1427Thr; replaces alanine 1427 with threonine.
Molecular consequence: missense variant.
Genome position (GRCh38, 1-based): chr11:108,289,644, G>A. VCF-style: chr11-108289644-G-A. GRCh37 (hg19) VCF-style: chr11-108160371-G-A.
Other names: NP_000042.3:p.Ala1427Thr; c.4279G>A, p.Ala1427Thr (NM_001351834.2); short protein forms A1427T.
Identifiers: ClinVar variation 141884 (VCV000141884.48), dbSNP rs2229021, ClinGen allele CA166697.

ClinVar aggregate classification (germline): Conflicting classifications of pathogenicity. Review status: criteria provided, conflicting classifications (1 of 4 stars). 17 submissions from 17 submitters: Uncertain significance (12); Likely benign (3). 2 of the submissions do not count toward it. Last evaluated 2026-02-04.

Conditions:
ATM-related disorder. Also called: ATM-related disorders; ATM-related condition.
Hereditary cancer-predisposing syndrome. Also called: Tumor predisposition; Neoplastic Syndromes, Hereditary; Hereditary neoplastic syndrome; Hereditary Cancer Syndrome. Identifiers: Orphanet 140162, MedGen C0027672, MeSH D009386, MONDO:0015356.
Ataxia-telangiectasia syndrome (AT). Also called: Ataxia-telangiectasia, complementation group D; AT, COMPLEMENTATION GROUP C; Cerebello-oculocutaneous telangiectasia; Immunodeficiency with ataxia telangiectasia; ATAXIA-TELANGIECTASIA, COMPLEMENTATION GROUP A; ATAXIA-TELANGIECTASIA, FRESNO VARIANT. Identifiers: Orphanet 100, MedGen C0004135, MONDO:0008840, OMIM 208900.
Familial cancer of breast. Also called: BREAST CANCER, FAMILIAL; Hereditary breast cancer; hereditary breast carcinoma. Identifiers: Orphanet 227535, MedGen C0346153, MONDO:0016419, OMIM 114480. Disease mechanism: loss of function.
Hereditary breast ovarian cancer syndrome. Also called: Hereditary breast and ovarian cancer syndrome; Hereditary breast and ovarian cancer; Hereditary breast and ovarian cancer syndrome (HBOC); Hereditary breast and/or ovarian cancer syndrome; BRCA1- and BRCA2-Associated Hereditary Breast and Ovarian Cancer; Breast and ovarian cancer. Identifiers: Orphanet 145, MedGen C0677776, MeSH D061325, MONDO:0003582. Disease mechanism: loss of function.

Allele frequency attached by ClinVar (database versions not stated): ExAC 0.00003; gnomAD exomes 0.00003; gnomAD 0.00009; TOPMed 0.00014; 1000 Genomes Project 0.00020; 1000 Genomes Project 30x 0.00031.
gnomAD v4.1: 69 of 1,611,184 alleles (0.0043%); highest among the groups gnomAD compares: African/African-American, 0.039%; no homozygotes.

Submissions (17):

Labcorp Genetics (formerly Invitae), Labcorp
Classification: Uncertain significance for Ataxia-telangiectasia syndrome. Last evaluated: 2026-02-04. Review status: criteria provided, single submitter. Criteria: Invitae Variant Classification Sherloc (09022015). Collection method: clinical testing. Allele origin: germline.
Comment: This sequence change replaces alanine, which is neutral and non-polar, with threonine, which is neutral and polar, at codon 1427 of the ATM protein (p.Ala1427Thr). This variant is present in population databases (rs2229021, gnomAD 0.02%). This missense change has been observed in individual(s) with breast cancer, pancreatic cancer, prostate cancer (PMID: 17333338, 19781682, 34326862, 35047863, 35666082). ClinVar contains an entry for this variant (Variation ID: 141884). Invitae Evidence Modeling of protein sequence and biophysical properties (such as structural, functional, and spatial information, amino acid conservation, physicochemical variation, residue mobility, and thermodynamic stability) indicates that this missense variant is not expected to disrupt ATM protein function with a negative predictive value of 95%. In summary, the available evidence is currently insufficient to determine the role of this variant in disease. Therefore, it has been classified as a Variant of Uncertain Significance.

PreventionGenetics, part of Exact Sciences
Classification: Uncertain significance for ATM-related condition. Last evaluated: 2025-12-31. Review status: criteria provided, single submitter. Criteria: ACMG Guidelines, 2015. Collection method: clinical testing. Allele origin: germline.
Comment: The ATM c.4279G>A variant is predicted to result in the amino acid substitution p.Ala1427Thr. This variant was reported in individuals with breast cancer and pancreatic cancer (Hirsch et al. 2007. PubMed ID: 17333338; Table S2 in Tavtigian et al 2009. PubMed ID: 19781682; Yu et al. 2022. PubMed ID: 35047863; Table S4, Bhai et al. 2021. PubMed ID: 34326862). This variant is reported in 0.028% of alleles in individuals of African descent in gnomAD and has conflicting interpretations regarding its pathogenicity in ClinVar, ranging from likely benign to uncertain (Variation ID: 141884). At this time, the clinical significance of this variant is uncertain due to the absence of conclusive functional and genetic evidence.

Myriad Genetics, Inc.
Classification: Likely benign for Familial cancer of breast. Last evaluated: 2025-11-17. Review status: criteria provided, single submitter. Criteria: Myriad Autosomal Dominant, Autosomal Recessive and X-Linked Classification Criteria (2023). Collection method: clinical testing. Allele origin: unknown.
Comment: This variant is considered likely benign. This variant is strongly associated with less severe personal and family histories of cancer, typical for individuals without pathogenic variants in this gene [PMID: 25085752].

Ambry Genetics
Classification: Uncertain significance for Hereditary cancer-predisposing syndrome. Last evaluated: 2025-01-15. Review status: criteria provided, single submitter. Criteria: Ambry Variant Classification Scheme 2023. Collection method: clinical testing. Allele origin: germline.
Comment: The p.A1427T variant (also known as c.4279G>A), located in coding exon 28 of the ATM gene, results from a G to A substitution at nucleotide position 4279. The alanine at codon 1427 is replaced by threonine, an amino acid with similar properties. This alteration has been detected in 1/4112 breast cancer patients and 0/2399 healthy control individuals across numerous studies (Tavtigian S et al. Am. J. Hum. Genet. 2009 Oct;85:427-46). This amino acid position is not well conserved in available vertebrate species. In addition, this alteration is predicted to be tolerated by in silico analysis. Based on the available evidence, the clinical significance of this variant remains unclear.

GeneDx
Classification: Uncertain significance. Last evaluated: 2024-12-26. Review status: criteria provided, single submitter. Criteria: GeneDx Variant Classification Process June 2021. Collection method: clinical testing. Allele origin: germline. Affected: yes.
Comment: In silico analysis indicates that this missense variant does not alter protein structure/function; Observed in individuals with breast, prostate or pancreatic cancer (PMID: 17333338, 19781682, 34326862, 35666082, 35047863, 36568162, 35585550); This variant is associated with the following publications: (PMID: 22529920, 30197789, 35534704, 19781682, 17333338, 35047863, 34326862, 35666082, 37097610, 36568162, 35585550)

Color Diagnostics, LLC DBA Color Health
Classification: Likely benign for Hereditary cancer-predisposing syndrome. Last evaluated: 2024-09-18. Review status: criteria provided, single submitter. Criteria: ACMG Guidelines, 2015. Collection method: clinical testing. Allele origin: germline.

Fulgent Genetics
Classification: Uncertain significance for Familial cancer of breast; Ataxia-telangiectasia syndrome. Last evaluated: 2024-06-05. Review status: criteria provided, single submitter. Criteria: ACMG Guidelines, 2015. Collection method: clinical testing. Allele origin: germline.

Women's Health and Genetics/Laboratory Corporation of America, LabCorp
Classification: Uncertain significance. Last evaluated: 2024-05-06. Review status: criteria provided, single submitter. Criteria: LabCorp Variant Classification Summary - May 2015. Collection method: clinical testing. Allele origin: germline.
Comment: Variant summary: ATM c.4279G>A (p.Ala1427Thr) results in a non-conservative amino acid change in the encoded protein sequence. Three of five in-silico tools predict a benign effect of the variant on protein function. The variant was detected at a frequency of 4.3e-05 in 1611184 control chromosomes (gnomAD). This frequency is not significantly higher than estimated for a pathogenic variant in ATM causing Breast Cancer (4.3e-05 vs 0.001), allowing no conclusion about variant significance. The variant was also found in in 2/2559 African American women over the age of 70 without cancer in the FLOSSIES database. c.4279G>A has been reported in the literature in settings of multi-gene panel testing in individuals affected with cancers including, prostate, kidney, ovarian, gastric, womb, melanoma, non-small cell lung cancer, or with personal or family history of breast cancer, all without evidence of causality (e.g. Hirsch_2008, Giri_2022, deOliveira_2022, vanderMerwe_2022, Ricciuti_2023). These reports do not provide unequivocal conclusions about association of the variant with Breast Cancer. To our knowledge, no experimental evidence demonstrating an impact on protein function has been reported. The following publications have been ascertained in the context of this evaluation (PMID: 17333338, 35666082, 37097610, 35534704, 36568162). ClinVar contains an entry for this variant (Variation ID: 141884). Based on the evidence outlined above, the variant was classified as uncertain significance.

Quest Diagnostics Nichols Institute San Juan Capistrano
Classification: Uncertain significance. Last evaluated: 2024-03-22. Review status: criteria provided, single submitter. Criteria: Quest Diagnostics criteria. Collection method: clinical testing. Allele origin: unknown.

Baylor Genetics
Classification: Uncertain significance for Familial cancer of breast. Last evaluated: 2024-03-13. Review status: criteria provided, single submitter. Criteria: ACMG Guidelines, 2015. Collection method: clinical testing. Allele origin: unknown.

KCCC/NGS Laboratory, Kuwait Cancer Control Center
Classification: Uncertain significance for Familial cancer of breast. Last evaluated: 2023-07-07. Review status: criteria provided, single submitter. Criteria: ACMG Guidelines, 2015. Collection method: clinical testing. Allele origin: unknown. Affected: yes.
Comment: ATM (c.4279G>A) genes. These variants are missense mutations that substitute one amino acid for another. The current evidence uncertain significance category. Therefore, the diagnosis of hereditary cancer syndrome is not confirmed.

National Health Laboratory Service, Universitas Academic Hospital and University of the Free State
Classification: Likely benign for Hereditary breast ovarian cancer syndrome. Last evaluated: 2022-04-19. Review status: criteria provided, single submitter. Criteria: ACMG Guidelines, 2015. Collection method: clinical testing. Allele origin: germline. Affected: yes. Observed: 5 variant alleles.

Genome-Nilou Lab
Classification: Uncertain significance for Ataxia-telangiectasia syndrome. Last evaluated: 2021-05-18. Review status: criteria provided, single submitter. Criteria: ACMG Guidelines, 2015. Collection method: clinical testing. Allele origin: germline. Affected: no.

Division of Medical Genetics, University of Washington
Classification: Uncertain significance for Familial cancer of breast. Last evaluated: 2019-10-29. Review status: criteria provided, single submitter. Criteria: ACMG Guidelines, 2015. Collection method: clinical testing. Allele origin: germline. Affected: no. Study: CSER_CHARM.
Comment: This variant has been reported in the literature in individuals with breast cancer (Hirsch 2008, Tavtigian 2009). This variant has an overall allele frequency of 0.00003 in the Broad Institute gnomAD Browser. In silico analyses indicate that this variant does not alter protein structure/function. Thus, it is unknown at this time whether this variant increases cancer risk. BP4

Eurofins Ntd Llc (ga)
Classification: Uncertain significance. Last evaluated: 2018-03-04. Review status: criteria provided, single submitter. Criteria: EGL ClinVar v180209 classification definitions. Collection method: clinical testing. Allele origin: germline. Observed: 1 variant allele, 1 heterozygote.

Natera, Inc.
Classification: Uncertain significance for Ataxia-telangiectasia. Last evaluated: 2020-02-14. Review status: no assertion criteria provided. Collection method: clinical testing. Allele origin: germline. Not counted in ClinVar's aggregate classification.

Counsyl
Classification: Uncertain significance for Ataxia-telangiectasia syndrome. Last evaluated: 2017-06-13. Review status: no assertion criteria provided. Collection method: clinical testing. Allele origin: unknown. Not counted in ClinVar's aggregate classification.

Literature cited by the submitters: PubMed 17333338 (cited by 3 submitters); PubMed 19781682 (cited by Labcorp Genetics (formerly Invitae), Labcorp and Quest Diagnostics Nichols Institute San Juan Capistrano); PubMed 34326862 (cited by Labcorp Genetics (formerly Invitae), Labcorp and Quest Diagnostics Nichols Institute San Juan Capistrano); PubMed 35047863 (cited by Labcorp Genetics (formerly Invitae), Labcorp); PubMed 35666082 (cited by 3 submitters); PubMed 25085752 (cited by Myriad Genetics, Inc.); PubMed 22529920 (cited by Ambry Genetics and Quest Diagnostics Nichols Institute San Juan Capistrano); PubMed 36568162 (cited by Women's Health and Genetics/Laboratory Corporation of America, LabCorp); PubMed 35534704 (cited by Women's Health and Genetics/Laboratory Corporation of America, LabCorp and Quest Diagnostics Nichols Institute San Juan Capistrano); PubMed 37097610 (cited by Women's Health and Genetics/Laboratory Corporation of America, LabCorp); PubMed 33471991 (cited by Quest Diagnostics Nichols Institute San Juan Capistrano); PubMed 30197789 (cited by Quest Diagnostics Nichols Institute San Juan Capistrano).